The following is an entry in ClinVar:

ClinVar aggregate classification (germline): Uncertain significance (1 of 4 stars; one submission).

Conditions:
Familial cancer of breast. Also called: hereditary breast carcinoma; Hereditary breast cancer; BREAST CANCER, FAMILIAL. Identifiers: Orphanet 227535, MedGen C0346153, MONDO:0016419, OMIM 114480. Disease mechanism: loss of function.

Submission:

Labcorp Genetics (formerly Invitae), Labcorp
Classification: Uncertain significance for Familial cancer of breast. Last evaluated: 2015-10-28. Review status: criteria provided, single submitter. Criteria: Invitae Variant Classification Sherloc (09022015). Collection method: clinical testing. Allele origin: germline.
Comment: This variant is a gross duplication of the genomic region encompassing exons 6-15 of the CHEK2 gene. The 5' boundary is likely confined to the intronic region between exons 5 and 6. The 3' end of this event is unknown as it extends through the termination codon beyond the assayed region for this gene and may encompass additional genes. Gross duplications of CHEK2 that include the termination codon have not been reported in the literature. This assay is unable to determine the genomic location of the duplicated region(s), and the functional significance of a copy number gain encompassing these exons has not been determined. In summary, this is a novel terminal duplication with uncertain impact on protein function. It has been classified as a Variant of Uncertain Significance.

NM_007194.3(CHEK2):c.684-?_*154+?dup

Gene: CHEK2 (checkpoint kinase 2; minus strand).
Variant type: Duplication.
Coding change: c.684-?_*154+?dup on transcript NM_007194.3.
Identifiers: ClinVar variation 220786 (VCV000220786.2).